The following is an entry in ClinVar:

ClinVar aggregate classification (germline): Conflicting classifications of pathogenicity. Review status: criteria provided, conflicting classifications (1 of 4 stars). 2 submissions from 2 submitters: Likely pathogenic (1); Uncertain significance (1). Last evaluated 2023-02-27.

Conditions:
Alagille syndrome due to a JAG1 point mutation. Also called: HEPATIC DUCTULAR HYPOPLASIA, SYNDROMATIC; Alagille Syndrome 1; JAG1-Related Alagille Syndrome. Identifiers: Orphanet 261619, Orphanet 52, MedGen C1956125, MONDO:0016862, OMIM 118450.
Deafness, congenital heart defects, and posterior embryotoxon (DCHE). Identifiers: MedGen C1866053, MONDO:0060713, OMIM 617992.
Tetralogy of Fallot (TOF). Identifiers: Orphanet 3303, MedGen C0039685, MONDO:0008542, OMIM 187500, HP:0001636.
Charcot-Marie-Tooth disease, axonal, Type 2HH. Also called: CHARCOT-MARIE-TOOTH NEUROPATHY, TYPE 2HH. Identifiers: MedGen C5562003, MONDO:0030458, OMIM 619574.

gnomAD v4.1: 3 of 1,610,830 alleles (0.00019%); highest among the groups gnomAD compares: Non-Finnish European, 0.00025%; no homozygotes.

Submissions (2):

Department of Pathology and Laboratory Medicine, Sinai Health System
Classification: Uncertain significance for Alagille syndrome due to a JAG1 point mutation; Tetralogy of Fallot; Deafness, congenital heart defects, and posterior embryotoxon; Charcot-Marie-Tooth disease, axonal, Type 2HH. Last evaluated: 2023-02-27. Review status: criteria provided, single submitter. Criteria: ACMG Guidelines, 2015. Collection method: research. Allele origin: germline.

Juno Genomics, Hangzhou Juno Genomics, Inc
Classification: Likely pathogenic for Tetralogy of Fallot; Deafness, congenital heart defects, and posterior embryotoxon; Alagille syndrome due to a JAG1 point mutation; Charcot-Marie-Tooth disease, axonal, Type 2HH. Review status: criteria provided, single submitter. Criteria: ACMG Guidelines, 2015. Collection method: clinical testing. Allele origin: germline.
Comment: Absent from controls (or at extremely low frequency if recessive) in Genome Aggregation Database.;Missense variant in a gene that has a low rate of benign missense variation.;Multiple lines of computational evidence support a deleterious effect on the gene or gene product.

NM_000214.3(JAG1):c.2555G>A (p.Gly852Asp)

Gene: JAG1 (jagged canonical Notch ligand 1; minus strand). Cytogenetic location: 20p12.2.
Variant type: single nucleotide variant.
Coding change: c.2555G>A on transcript NM_000214.3 (MANE Select); coding-DNA position 2555, G replaced by A.
Protein change: p.Gly852Asp; replaces glycine 852 with aspartic acid.
Molecular consequence: missense variant.
Genome position (GRCh38, 1-based): chr20:10,642,505, C>T on the plus strand (G>A on the coding strand, the complement: JAG1 is on the minus strand). VCF-style: chr20-10642505-C-T. GRCh37 (hg19) VCF-style: chr20-10623153-C-T.
Other names: short protein forms G852D.
Identifiers: ClinVar variation 3891427 (VCV003891427.3).